The following is an entry in ClinVar:

NM_013275.6(ANKRD11):c.2599G>A (p.Asp867Asn)

Gene: ANKRD11 (ankyrin repeat domain 11; minus strand). Cytogenetic location: 16q24.3.
Variant type: single nucleotide variant.
Coding change: c.2599G>A on transcript NM_013275.6 (MANE Select); coding-DNA position 2599, G replaced by A.
Protein change: p.Asp867Asn; replaces aspartic acid 867 with asparagine.
Molecular consequence: missense variant.
Genome position (GRCh38, 1-based): chr16:89,283,943, C>T on the plus strand (G>A on the coding strand, the complement: ANKRD11 is on the minus strand). VCF-style: chr16-89283943-C-T. GRCh37 (hg19) VCF-style: chr16-89350351-C-T.
Other names: c.2599G>A, p.Asp867Asn (NM_001256182.2, NM_001256183.2); short protein forms D867N.
Identifiers: ClinVar variation 4886914 (VCV004886914.1).

ClinVar aggregate classification (germline): Uncertain significance (0 of 4 stars; one submission).

Conditions:
Isolated dental anomalies.

Submission:

Center of Excellence in Medical Genetics Research, Chiang Mai University
Classification: Uncertain significance for Isolated dental anomalies. Last evaluated: 2026-08-18. Review status: no assertion criteria provided. Collection method: research. Allele origin: germline. Affected: yes. Observed: 1 variant allele.
Comment: NM_013275.6:c.2599G>A is a missense variant in ANKRD11. The in silico mutation prediction results were MutationTaster (Disease Causing; 0.987593768889569), PolyPhen-2 (Probably Damaging; 0.682), SIFT (Pathogenic Supporting; 0.001), CADD (26.0), and DANN (Uncertain; 0.9989) (BP4). The variant is novel, absent from the gnomAD population database, and absent in the T-Rex database (Thai exomes: 0/2184) (PM2). In summary, based on the ACMG/AMP criteria applied, this variant meets criteria to be classified as a variant of uncertain significance (VUS) for isolated dental anomalies.